The following is an entry in ClinVar:

ClinVar aggregate classification (germline): Uncertain significance (1 of 4 stars; one submission).

Submission:

Labcorp Genetics (formerly Invitae), Labcorp
Classification: Uncertain significance. Last evaluated: 2025-09-06. Review status: criteria provided, single submitter. Criteria: Invitae Variant Classification Sherloc (09022015). Collection method: clinical testing. Allele origin: germline.
Comment: This variant, c.34_35insCGCTGC, results in the insertion of 2 amino acid(s) of the LRP5 protein (p.Pro11_Leu12insProLeu), but otherwise preserves the integrity of the reading frame. The frequency data for this variant in the population databases is considered unreliable, as metrics indicate insufficient coverage at this position in the gnomAD database. This variant has not been reported in the literature in individuals affected with LRP5-related conditions. In summary, the available evidence is currently insufficient to determine the role of this variant in disease. Therefore, it has been classified as a Variant of Uncertain Significance.

NM_002335.4(LRP5):c.34_35insCGCTGC (p.Pro11_Leu12insProLeu)

Gene: LRP5 (LDL receptor related protein 5; plus strand). Cytogenetic location: 11q13.2.
Variant type: Insertion.
Coding change: c.34_35insCGCTGC on transcript NM_002335.4 (MANE Select); coding-DNA positions 34 to 35, CGCTGC inserted.
Protein change: p.Pro11_Leu12insProLeu.
Molecular consequence: inframe insertion. On other transcripts: 5 prime UTR variant (1).
Genome position: GRCh38 VCF-style: chr11-68312746-C-CGCCGCT. GRCh37 (hg19) VCF-style: chr11-68080214-C-CGCCGCT.
Other names: c.-1732_-1731insCGCTGC (NM_001291902.2).
Identifiers: ClinVar variation 4726731 (VCV004726731.1).